The following is an entry in ClinVar:

NM_000161.3(GCH1):c.*1176C>G

Gene: GCH1 (GTP cyclohydrolase 1; minus strand). Cytogenetic location: 14q22.2.
Variant type: single nucleotide variant.
Coding change: c.*1176C>G on transcript NM_000161.3 (MANE Select); 1176 bases downstream of the stop codon, C replaced by G.
Molecular consequence: 3 prime UTR variant.
Genome position (GRCh38, 1-based): chr14:54,842,841, G>C on the plus strand (C>G on the coding strand, the complement: GCH1 is on the minus strand). VCF-style: chr14-54842841-G-C. GRCh37 (hg19) VCF-style: chr14-55309559-G-C.
Other names: c.*230C>G (NM_001024024.2); c.*226C>G (NM_001024070.2); c.*198C>G (NM_001024071.2).
Identifiers: ClinVar variation 313369 (VCV000313369.5), dbSNP rs113211390, ClinGen allele CA10640301.

ClinVar aggregate classification (germline): Benign/Likely benign. Review status: criteria provided, single submitter (1 of 4 stars). 2 submissions from 1 submitter: Benign (1); Likely benign (1). Last evaluated 2018-01-13.

Conditions:
GTP cyclohydrolase I deficiency. Identifiers: MedGen C0268467, MONDO:0100184.
Dystonia 5 (DRD). Also called: DYSTONIA, PROGRESSIVE, WITH DIURNAL VARIATION; DYSTONIA-PARKINSONISM WITH DIURNAL FLUCTUATION; Dystonia, DOPA-responsive, with or without hyperphenylalaninemia; GTP Cyclohydrolase 1-Deficient Dopa-Responsive Dystonia; DYT-GCH1. Identifiers: Orphanet 98808, MedGen C1851920, MONDO:0007495, OMIM 128230.

Allele frequency attached by ClinVar (database versions not stated): gnomAD exomes 0.00033; TOPMed 0.00180; 1000 Genomes Project 0.00260; 1000 Genomes Project 30x 0.00344.
gnomAD v4.1: 411 of 416,542 alleles (0.099%); highest among the groups gnomAD compares: African/African-American, 0.66%; 2 homozygotes.

Submissions (2):

Illumina Laboratory Services, Illumina
Classification: Likely benign for GTP cyclohydrolase I deficiency with hyperphenylalaninemia. Last evaluated: 2018-01-13. Review status: criteria provided, single submitter. Criteria: ICSL Variant Classification Criteria 13 December 2019. Collection method: clinical testing. Allele origin: germline.
Comment: This variant was observed in the ICSL laboratory as part of a predisposition screen in an ostensibly healthy population. It had not been previously curated by ICSL or reported in the Human Gene Mutation Database (HGMD: prior to June 1st, 2018), and was therefore a candidate for classification through an automated scoring system. Utilizing variant allele frequency, disease prevalence and penetrance estimates, and inheritance mode, an automated score was calculated to assess if this variant is too frequent to cause the disease. Based on the score and internal cut-off values, a variant classified as likely benign is not then subjected to further curation. The score for this variant resulted in a classification of likely benign for this disease.

Illumina Laboratory Services, Illumina
Classification: Benign for Dystonia 5. Last evaluated: 2018-01-13. Review status: criteria provided, single submitter. Criteria: ICSL Variant Classification Criteria 13 December 2019. Collection method: clinical testing. Allele origin: germline.
Comment: This variant was observed in the ICSL laboratory as part of a predisposition screen in an ostensibly healthy population. It had not been previously curated by ICSL or reported in the Human Gene Mutation Database (HGMD: prior to June 1st, 2018), and was therefore a candidate for classification through an automated scoring system. Utilizing variant allele frequency, disease prevalence and penetrance estimates, and inheritance mode, an automated score was calculated to assess if this variant is too frequent to cause the disease. Based on the score and internal cut-off values, a variant classified as benign is not then subjected to further curation. The score for this variant resulted in a classification of benign for this disease.